The following is an entry in ClinVar:

NM_007129.5(ZIC2):c.722del (p.Gly241fs)

Gene: ZIC2 (Zic family zinc finger 2; plus strand). Cytogenetic location: 13q32.3.
Variant type: Deletion.
Coding change: c.722del on transcript NM_007129.5 (MANE Select); coding-DNA position 722, one base deleted (G; older notation c.722delG).
Protein change: p.Gly241fs; shifts the reading frame from glycine 241.
Molecular consequence: frameshift variant.
Genome position (GRCh38, 1-based): chr13:99,982,786, G deleted; the last of 2 consecutive G bases (chr13:99,982,785-99,982,786); deleting either gives the same sequence. VCF-style (leftmost placement, unchanged base first): chr13-99982784-CG-C. GRCh37 (hg19) VCF-style: chr13-100635038-CG-C.
Other names: short protein forms G241fs.
Identifiers: ClinVar variation 2034810 (VCV002034810.4), dbSNP rs2501544556, ClinGen allele CA2580087792.
Genomic context (GRCh38, chr13:99,982,784, plus strand): 5'-CATGGGTATGAACATGGCAGCAGCCGCGGCCCACCACCACCACCACCACCACCACCACCC[CG>C]GTGCCTTTTTCCGCTATATGCGGCAGCAGTGCATCAAGCAGGAGCTAATCTGCAAGTGGA-3'

ClinVar aggregate classification (germline): Pathogenic (1 of 4 stars; one submission).

Conditions:
Holoprosencephaly 5 (HPE5). Identifiers: Orphanet 2162, MedGen C1864827, MONDO:0012322, OMIM 609637.

Submission:

Labcorp Genetics (formerly Invitae), Labcorp
Classification: Pathogenic for Holoprosencephaly 5. Last evaluated: 2022-10-08. Review status: criteria provided, single submitter. Criteria: Invitae Variant Classification Sherloc (09022015). Collection method: clinical testing. Allele origin: germline.
Comment: This sequence change creates a premature translational stop signal (p.Gly241Valfs*16) in the ZIC2 gene. It is expected to result in an absent or disrupted protein product. Loss-of-function variants in ZIC2 are known to be pathogenic (PMID: 19177455). For these reasons, this variant has been classified as Pathogenic. This variant has not been reported in the literature in individuals affected with ZIC2-related conditions. This variant is not present in population databases (gnomAD no frequency).

Literature cited by the submitters: PubMed 19177455.